The following is an entry in ClinVar:

ClinVar aggregate classification (germline): Uncertain significance (1 of 4 stars; one submission).

Conditions:
Charcot-Marie-Tooth disease type 2. Also called: Charcot-Marie-Tooth type 2. Identifiers: Orphanet 64746, MedGen C0270914, MONDO:0018993.

Allele frequency attached by ClinVar (database versions not stated): gnomAD 0.00001; TOPMed 0.00001.
gnomAD v4.1: 7 of 1,605,444 alleles (0.00044%); highest among the groups gnomAD compares: African/African-American, 0.004%; no homozygotes.

Submission:

Labcorp Genetics (formerly Invitae), Labcorp
Classification: Uncertain significance for Charcot-Marie-Tooth disease type 2. Last evaluated: 2021-08-24. Review status: criteria provided, single submitter. Criteria: Invitae Variant Classification Sherloc (09022015). Collection method: clinical testing. Allele origin: germline.
Comment: This sequence change replaces proline with leucine at codon 8 of the MED25 protein (p.Pro8Leu). The proline residue is moderately conserved and there is a moderate physicochemical difference between proline and leucine. This variant is not present in population databases (ExAC no frequency). This variant has not been reported in the literature in individuals affected with MED25-related conditions. Algorithms developed to predict the effect of missense changes on protein structure and function are either unavailable or do not agree on the potential impact of this missense change (SIFT: "Deleterious"; PolyPhen-2: "Probably Damaging"; Align-GVGD: "Class C0"). In summary, the available evidence is currently insufficient to determine the role of this variant in disease. Therefore, it has been classified as a Variant of Uncertain Significance.

NM_030973.4(MED25):c.23C>T (p.Pro8Leu)

Gene: MED25 (mediator complex subunit 25; plus strand). Cytogenetic location: 19q13.33.
Variant type: single nucleotide variant.
Coding change: c.23C>T on transcript NM_030973.4 (MANE Select); coding-DNA position 23, C replaced by T.
Protein change: p.Pro8Leu; replaces proline 8 with leucine.
Molecular consequence: missense variant.
Genome position (GRCh38, 1-based): chr19:49,818,364, C>T. VCF-style: chr19-49818364-C-T. GRCh37 (hg19) VCF-style: chr19-50321621-C-T.
Other names: c.23C>T, p.Pro8Leu (NM_001378355.1); short protein forms P8L.
Identifiers: ClinVar variation 966734 (VCV000966734.7), dbSNP rs980805046, ClinGen allele CA309504021.
Genomic context (GRCh38, chr19:49,818,364, plus strand): 5'-CTGCGGCTGCAGTGGTGGTGGCGGGTACCGCACGGGGTATGGTCCCCGGGTCCGAGGGCC[C>T]GGCCCGCGCCGGGAGCGTGGTGGCCGACGTGGTGTTTGTGATTGAGGGTACGGCCAACCT-3'
Protein context (NP_112235.2, residues 1-18): MVPGSEG[Pro8Leu]ARAGSVVADV